The following is an entry in ClinVar:

NM_002858.4(ABCD3):c.133T>G (p.Leu45Val)

Gene: ABCD3 (ATP binding cassette subfamily D member 3; plus strand). Cytogenetic location: 1p21.3.
Variant type: single nucleotide variant.
Coding change: c.133T>G on transcript NM_002858.4 (MANE Select); coding-DNA position 133, T replaced by G.
Protein change: p.Leu45Val; replaces leucine 45 with valine.
Molecular consequence: missense variant.
Genome position (GRCh38, 1-based): chr1:94,458,629, T>G. VCF-style: chr1-94458629-T-G. GRCh37 (hg19) VCF-style: chr1-94924185-T-G.
Other names: c.133T>G, p.Leu45Val (NM_001122674.2); c.133T>G (NM_002858.3); short protein forms L45V.
Identifiers: ClinVar variation 2974430 (VCV002974430.4), dbSNP rs1233197761, ClinGen allele CA341293312.
Genomic context (GRCh38, chr1:94,458,629, plus strand): 5'-ATAAAGTAAAGCTCTCTCTCTCTTTTTTTCCTCTGCAGTAAGAAAAGTGGAAAACCACCA[T>G]TACAGAACAATGAGGTAAAAGTTTAAATCATCTTCTTTTTGGGATTTCATGCATTTATTT-3'
Protein context (NP_002849.1, residues 35-55): LHGKKSGKPP[Leu45Val]QNNEKEGKKE

ClinVar aggregate classification (germline): Uncertain significance. Review status: criteria provided, multiple submitters, no conflicts (2 of 4 stars). 2 submissions from 2 submitters: Uncertain significance (2). Last evaluated 2025-08-26.

Allele frequency attached by ClinVar (database versions not stated): TOPMed 0.00001; gnomAD 0.00001.

Submissions (2):

Ambry Genetics
Classification: Uncertain significance. Last evaluated: 2025-08-26. Review status: criteria provided, single submitter. Criteria: Ambry Variant Classification Scheme 2023. Collection method: clinical testing. Allele origin: germline.

Labcorp Genetics (formerly Invitae), Labcorp
Classification: Uncertain significance. Last evaluated: 2025-08-08. Review status: criteria provided, single submitter. Criteria: Invitae Variant Classification Sherloc (09022015). Collection method: clinical testing. Allele origin: germline.
Comment: This sequence change replaces leucine, which is neutral and non-polar, with valine, which is neutral and non-polar, at codon 45 of the ABCD3 protein (p.Leu45Val). This variant is not present in population databases (gnomAD no frequency). This variant has not been reported in the literature in individuals affected with ABCD3-related conditions. ClinVar contains an entry for this variant (Variation ID: 2974430). An algorithm developed to predict the effect of missense changes on protein structure and function (PolyPhen-2) suggests that this variant is likely to be tolerated. In summary, the available evidence is currently insufficient to determine the role of this variant in disease. Therefore, it has been classified as a Variant of Uncertain Significance.